The following is an entry in ClinVar:

NM_001142864.4(PIEZO1):c.7495T>C (p.Leu2499=)

Gene: PIEZO1 (piezo type mechanosensitive ion channel component 1 (Er blood group); minus strand). Cytogenetic location: 16q24.3.
Variant type: single nucleotide variant.
Coding change: c.7495T>C on transcript NM_001142864.4 (MANE Select); coding-DNA position 7495, T replaced by C.
Protein change: p.Leu2499=; no amino-acid change (leucine 2499 retained).
Molecular consequence: synonymous variant.
Genome position (GRCh38, 1-based): chr16:88,715,676, A>G on the plus strand (T>C on the coding strand, the complement: PIEZO1 is on the minus strand). VCF-style: chr16-88715676-A-G. GRCh37 (hg19) VCF-style: chr16-88782084-A-G.
Other names: p.Leu2499=.
Identifiers: ClinVar variation 727409 (VCV000727409.21), dbSNP rs35736353, ClinGen allele CA8231305.
Genomic context (GRCh38, chr16:88,715,676, plus strand): 5'-CACGAGTCCACTTGATCATGGTCTCCGGTGAGCGGTAGAGGAAGATGAGCTTGGCGTACA[A>G]CTCCTCCTCCAGCTCCAGCTCCCGAGTCTCCCGCACCAGGAAGATGTCCTGGCAGAGCTT-3'
Protein context (NP_001136336.2, residues 2489-2509): ETRELELEEE[Leu2499=]YAKLIFLYRS

ClinVar aggregate classification (germline): Benign/Likely benign. Review status: criteria provided, multiple submitters, no conflicts (2 of 4 stars). 5 submissions from 5 submitters: Benign (2); Likely benign (3). Last evaluated 2025-10-14.

Conditions:
Lymphatic malformation 6 (LMPHM6). Also called: PIEZO1-related generalized lymphatic dysplasia with non-immune hydrops fetalis; GENERALIZED LYMPHATIC DYSPLASIA OF FOTIOU; Lymphedema, hereditary, III. Identifiers: Orphanet 568062, MedGen C4225184, MONDO:0014797, OMIM 616843.
Dehydrated hereditary stomatocytosis with or without pseudohyperkalemia and/or perinatal edema (DHS1). Also called: DEHYDRATED HEREDITARY STOMATOCYTOSIS AND PSEUDOHYPERKALEMIA; PSEUDOHYPERKALEMIA EDINBURGH; DEHYDRATED HEREDITARY STOMATOCYTOSIS WITH PSEUDOHYPERKALEMIA AND PERINATAL EDEMA; Pseudohyperkalemia, familial, 1, due to red cell leak; Dehydrated hereditary stomatocytosis 1 with or without pseudohyperkalemia and/or perinatal edema. Identifiers: Orphanet 3202, MedGen C4551512, MONDO:0008689, OMIM 194380.

Allele frequency attached by ClinVar (database versions not stated): gnomAD exomes 0.00025 and 0.00064; ExAC 0.00103; 1000 Genomes Project 30x 0.00172; 1000 Genomes Project 0.00200; gnomAD 0.00243 and 0.00265; TOPMed 0.00293.
gnomAD v4.1: 746 of 1,549,806 alleles (0.048%); highest among the groups gnomAD compares: African/African-American, 0.88%; 3 homozygotes.

Submissions (5):

Labcorp Genetics (formerly Invitae), Labcorp
Classification: Benign. Last evaluated: 2025-10-14. Review status: criteria provided, single submitter. Criteria: Invitae Variant Classification Sherloc (09022015). Collection method: clinical testing. Allele origin: germline.

Mayo Clinic Laboratories, Mayo Clinic
Classification: Likely benign. Last evaluated: 2025-04-03. Review status: criteria provided, single submitter. Criteria: ACMG Guidelines, 2015. Collection method: clinical testing. Allele origin: germline. Observed: 6 variant alleles.
Comment: BS2, BP4, BP7

Blueprint Genetics
Classification: Likely benign. Last evaluated: 2024-08-28. Review status: criteria provided, single submitter. Criteria: ACMG Guidelines, 2015. Collection method: clinical testing. Allele origin: germline.

Fulgent Genetics
Classification: Likely benign for Dehydrated hereditary stomatocytosis with or without pseudohyperkalemia and/or perinatal edema; Lymphatic malformation 6. Last evaluated: 2021-09-27. Review status: criteria provided, single submitter. Criteria: ACMG Guidelines, 2015. Collection method: clinical testing. Allele origin: unknown.

ARUP Laboratories, Molecular Genetics and Genomics, ARUP Laboratories
Classification: Benign. Last evaluated: 2020-05-29. Review status: criteria provided, single submitter. Criteria: ARUP Molecular Germline Variant Investigation Process. Collection method: clinical testing. Allele origin: germline.